The following is an entry in ClinVar:

NM_032040.5(CCDC8):c.1288G>T (p.Ala430Ser)

Gene: CCDC8 (coiled-coil domain containing 8; minus strand). Cytogenetic location: 19q13.32.
Variant type: single nucleotide variant.
Coding change: c.1288G>T on transcript NM_032040.5 (MANE Select); coding-DNA position 1288, G replaced by T.
Protein change: p.Ala430Ser; replaces alanine 430 with serine.
Molecular consequence: missense variant.
Genome position (GRCh38, 1-based): chr19:46,411,523, C>A on the plus strand (G>T on the coding strand, the complement: CCDC8 is on the minus strand). VCF-style: chr19-46411523-C-A. GRCh37 (hg19) VCF-style: chr19-46914780-C-A.
Other names: short protein forms A430S.
Identifiers: ClinVar variation 1370030 (VCV001370030.5), dbSNP rs775949397, ClinGen allele CA9528508.
Genomic context (GRCh38, chr19:46,411,523, plus strand): 5'-CTGGGGCCCCTGCCCTCTGATTATGTGCAGCCTCTGCCCTCTGGCCAGCCCGGGCCTGTG[C>A]CCTCTGATTATCTGCACCCTGGACAGCTGGGGCCCTTTCCCTCTGGTCATGTACGGCCTC-3'
Protein context (NP_114429.2, residues 420-440): PAVQGADNQR[Ala430Ser]QARAGQRAEA

ClinVar aggregate classification (germline): Uncertain significance (1 of 4 stars; one submission).

Allele frequency attached by ClinVar (database versions not stated): ExAC 0.00007.

Submission:

Labcorp Genetics (formerly Invitae), Labcorp
Classification: Uncertain significance. Last evaluated: 2022-07-06. Review status: criteria provided, single submitter. Criteria: Invitae Variant Classification Sherloc (09022015). Collection method: clinical testing. Allele origin: germline.
Comment: This sequence change replaces alanine, which is neutral and non-polar, with serine, which is neutral and polar, at codon 430 of the CCDC8 protein (p.Ala430Ser). This variant is present in population databases (rs775949397, gnomAD 0.04%). This variant has not been reported in the literature in individuals affected with CCDC8-related conditions. ClinVar contains an entry for this variant (Variation ID: 1370030). Algorithms developed to predict the effect of missense changes on protein structure and function (SIFT, PolyPhen-2, Align-GVGD) all suggest that this variant is likely to be tolerated. In summary, the available evidence is currently insufficient to determine the role of this variant in disease. Therefore, it has been classified as a Variant of Uncertain Significance.